The following is an entry in ClinVar:

ClinVar aggregate classification (germline): Conflicting classifications of pathogenicity. Review status: criteria provided, conflicting classifications (1 of 4 stars). 2 submissions from 2 submitters: Uncertain significance (1); Benign (1). Last evaluated 2026-08-10.

Conditions:
Inborn genetic diseases. Identifiers: MedGen C0950123, MeSH D030342.
Kleefstra syndrome 1 (KLEFS1). Identifiers: Orphanet 261494, MedGen C0795833, MONDO:0027407, OMIM 610253.

Allele frequency attached by ClinVar (database versions not stated): gnomAD exomes 0.00001; TOPMed 0.00002.
gnomAD v4.1: 10 of 1,587,982 alleles (0.00063%); highest among the groups gnomAD compares: East Asian, 0.0069%; no homozygotes.

Submissions (2):

Ambry Genetics
Classification: Uncertain significance for Inborn genetic diseases. Last evaluated: 2026-08-10. Review status: criteria provided, single submitter. Criteria: Ambry Variant Classification Scheme 2023. Collection method: clinical testing. Allele origin: germline.
Comment: The c.85+6G>A intronic alteration consists of a G to A substitution 6 nucleotides after exon 2 of the EHMT1 gene. Based on data from gnomAD, the A allele has an overall frequency of 0.001% (2/202578) total alleles studied. The highest observed frequency was 0.013% (2/15048) of East Asian alleles. Based on insufficient or conflicting evidence, the clinical significance of this alteration remains unclear.

Labcorp Genetics (formerly Invitae), Labcorp
Classification: Benign for Kleefstra syndrome 1. Last evaluated: 2022-10-17. Review status: criteria provided, single submitter. Criteria: Invitae Variant Classification Sherloc (09022015). Collection method: clinical testing. Allele origin: germline.

NM_024757.5(EHMT1):c.85+6G>A

Gene: EHMT1 (euchromatic histone lysine methyltransferase 1; plus strand). Cytogenetic location: 9q34.3.
Variant type: single nucleotide variant.
Coding change: c.85+6G>A on transcript NM_024757.5 (MANE Select); 6 bases into the intron after coding-DNA position 85, G replaced by A.
Molecular consequence: intron variant.
Genome position (GRCh38, 1-based): chr9:137,711,036, G>A. VCF-style: chr9-137711036-G-A. GRCh37 (hg19) VCF-style: chr9-140605488-G-A.
Other names: c.85+6G>A (NM_001354263.2, NM_001145527.2, NM_001354611.2 and 1 more transcripts); c.-8-5590G>A (NM_001354259.2, NM_001354612.2).
Identifiers: ClinVar variation 1668401 (VCV001668401.11), dbSNP rs1288957401, ClinGen allele CA591242147.
Genomic context (GRCh38, chr9:137,711,036, plus strand): 5'-GCGAGGGGGGAGCCTCAGCAGGATTGCTGTGTGAAAACCGAGCTGCTGGGAGAAGGTGAG[G>A]GCGGTGTGCACCGAGGGACAGGAGCAGCGCCTCCCTCCAGACTAGAAAACCTGCTGCTCT-3'